The following is an entry in ClinVar:

ClinVar aggregate classification (germline): Benign (1 of 4 stars; one submission).

Submission:

CeGaT Center for Human Genetics Tuebingen
Classification: Benign. Last evaluated: 2025-08-01. Review status: criteria provided, single submitter. Criteria: CeGaT Center For Human Genetics Tuebingen Variant Classification Criteria Version 2. Collection method: clinical testing. Allele origin: germline. Affected: yes. Observed: 1 variant allele.
Comment: BEAN1: BS1, BS2

NM_001197224.4(BEAN1):c.152-2507_152-2506dup

Gene: BEAN1 (brain expressed associated with NEDD4 1; plus strand). Cytogenetic location: 16q21.
Variant type: Duplication.
Coding change: c.152-2507_152-2506dup on transcript NM_001197224.4; 2507 bases into the intron before coding-DNA position 152 through 2506 bases into the intron before coding-DNA position 152, 2 bases duplicated (AA; older notation c.152-2507_152-2506dupAA).
Molecular consequence: intron variant.
Genome position (GRCh38, 1-based): chr16:66,490,455-66,490,456, AA duplicated. VCF-style (leftmost placement, unchanged base first): chr16-66490454-T-TAA. GRCh37 (hg19) VCF-style: chr16-66524357-T-TAA.
Identifiers: ClinVar variation 4085057 (VCV004085057.8).